The following is an entry in ClinVar:

ClinVar aggregate classification (germline): Uncertain significance (1 of 4 stars; one submission).

Conditions:
T-B+ severe combined immunodeficiency due to JAK3 deficiency. Also called: SCID, T CELL-NEGATIVE, B CELL-POSITIVE, NK CELL-NEGATIVE; SCID, autosomal recessive, T-negative/B-positive type. Identifiers: Orphanet 35078, MedGen C1833275, MONDO:0010938, OMIM 600802.

gnomAD v4.1: 1 of 1,595,520 alleles (0.000063%); highest among the groups gnomAD compares: Non-Finnish European, 0.000085%; no homozygotes.

Submission:

Labcorp Genetics (formerly Invitae), Labcorp
Classification: Uncertain significance for T-B+ severe combined immunodeficiency due to JAK3 deficiency. Last evaluated: 2021-11-11. Review status: criteria provided, single submitter. Criteria: Invitae Variant Classification Sherloc (09022015). Collection method: clinical testing. Allele origin: germline.
Comment: This sequence change replaces arginine, which is basic and polar, with leucine, which is neutral and non-polar, at codon 1049 of the JAK3 protein (p.Arg1049Leu). This variant is not present in population databases (gnomAD no frequency). This variant has not been reported in the literature in individuals affected with JAK3-related conditions. Algorithms developed to predict the effect of missense changes on protein structure and function (SIFT, PolyPhen-2, Align-GVGD) all suggest that this variant is likely to be tolerated. In summary, the available evidence is currently insufficient to determine the role of this variant in disease. Therefore, it has been classified as a Variant of Uncertain Significance.

NM_000215.4(JAK3):c.3146G>T (p.Arg1049Leu)

Gene: JAK3 (Janus kinase 3; minus strand). Cytogenetic location: 19p13.11.
Variant type: single nucleotide variant.
Coding change: c.3146G>T on transcript NM_000215.4 (MANE Select); coding-DNA position 3146, G replaced by T.
Protein change: p.Arg1049Leu; replaces arginine 1049 with leucine.
Molecular consequence: missense variant.
Genome position (GRCh38, 1-based): chr19:17,830,169, C>A on the plus strand (G>T on the coding strand, the complement: JAK3 is on the minus strand). VCF-style: chr19-17830169-C-A. GRCh37 (hg19) VCF-style: chr19-17940978-C-A.
Other names: short protein forms R1049L.
Identifiers: ClinVar variation 1392573 (VCV001392573.3), dbSNP rs750073941, ClinGen allele CA404764109.